The following is an entry in ClinVar:

ClinVar aggregate classification (germline): Benign. Review status: criteria provided, multiple submitters, no conflicts (2 of 4 stars). 8 submissions from 8 submitters: Benign (8). Last evaluated 2026-05-08.

Conditions:
Ellis-van Creveld syndrome (EVC). Also called: Chondroectodermal dysplasia; MESOECTODERMAL DYSPLASIA. Identifiers: Orphanet 289, MedGen C0013903, MONDO:0009162, OMIM 225500.
Curry-Hall syndrome (WAD). Also called: WEYERS ACRODENTAL DYSOSTOSIS. Identifiers: Orphanet 952, MedGen C0457013, MONDO:0008673, OMIM 193530.

Allele frequency attached by ClinVar (database versions not stated): gnomAD exomes 0.19168 and 0.19606; ExAC 0.19783; 1000 Genomes Project 0.23003; 1000 Genomes Project 30x 0.24157; gnomAD 0.26970 and 0.27893; TOPMed 0.27939; ESP Exome Variant Server 0.29494.
gnomAD v4.1: 328,405 of 1,613,854 alleles (20%); highest among the groups gnomAD compares: African/African-American, 48%; 38,314 homozygotes.

Submissions (8):

Women's Health and Genetics/Laboratory Corporation of America, LabCorp
Classification: Benign. Last evaluated: 2026-05-08. Review status: criteria provided, single submitter. Criteria: LabCorp Variant Classification Summary - May 2015. Collection method: clinical testing. Allele origin: germline.

Labcorp Genetics (formerly Invitae), Labcorp
Classification: Benign for Curry-Hall syndrome; Ellis-van Creveld syndrome. Last evaluated: 2026-02-04. Review status: criteria provided, single submitter. Criteria: Invitae Variant Classification Sherloc (09022015). Collection method: clinical testing. Allele origin: germline.

Blueprint Genetics
Classification: Benign. Last evaluated: 2024-11-26. Review status: criteria provided, single submitter. Criteria: ACMG Guidelines, 2015. Collection method: clinical testing. Allele origin: germline.

Illumina Laboratory Services, Illumina
Classification: Benign for Ellis-van Creveld syndrome. Last evaluated: 2018-01-13. Review status: criteria provided, single submitter. Criteria: ICSL Variant Classification Criteria 13 December 2019. Collection method: clinical testing. Allele origin: germline.
Comment: This variant was observed in the ICSL laboratory as part of a predisposition screen in an ostensibly healthy population. It had not been previously curated by ICSL or reported in the Human Gene Mutation Database (HGMD: prior to June 1st, 2018), and was therefore a candidate for classification through an automated scoring system. Utilizing variant allele frequency, disease prevalence and penetrance estimates, and inheritance mode, an automated score was calculated to assess if this variant is too frequent to cause the disease. Based on the score and internal cut-off values, a variant classified as benign is not then subjected to further curation. The score for this variant resulted in a classification of benign for this disease.

GeneDx
Classification: Benign. Last evaluated: 2016-03-21. Review status: criteria provided, single submitter. Criteria: GeneDx Variant Classification (06012015). Collection method: clinical testing. Allele origin: germline. Affected: yes.
Comment: This variant is considered likely benign or benign based on one or more of the following criteria: it is a conservative change, it occurs at a poorly conserved position in the protein, it is predicted to be benign by multiple in silico algorithms, and/or has population frequency not consistent with disease.

Eurofins Ntd Llc (ga)
Classification: Benign. Last evaluated: 2015-07-07. Review status: criteria provided, single submitter. Criteria: EGL Classification Definitions 2015. Collection method: clinical testing. Allele origin: germline. Observed: 19 variant alleles, 15 heterozygotes, 4 homozygotes.

Breakthrough Genomics
Classification: Benign. Review status: criteria provided, single submitter. Criteria: ACMG Guidelines, 2015. Collection method: not provided. Allele origin: germline. Inheritance: Autosomal recessive inheritance. Affected: yes.

PreventionGenetics, part of Exact Sciences
Classification: Benign. Review status: criteria provided, single submitter. Criteria: ACMG Guidelines, 2015. Collection method: clinical testing. Allele origin: germline.

NM_147127.5(EVC2):c.1437A>G (p.Glu479=)

Genes: EVC2 (EvC ciliary complex subunit 2; minus strand), LOC126806961 (BRD4-independent group 4 enhancer GRCh37_chr4:5641443-5642642; plus strand). Cytogenetic location: 4p16.2.
Variant type: single nucleotide variant.
Coding change: c.1437A>G on transcript NM_147127.5 (MANE Select); coding-DNA position 1437, A replaced by G.
Protein change: p.Glu479=; no amino-acid change (glutamic acid 479 retained).
Molecular consequence: synonymous variant.
Genome position (GRCh38, 1-based): chr4:5,640,547, T>C on the plus strand (A>G on the coding strand, the complement: EVC2 is on the minus strand). VCF-style: chr4-5640547-T-C. GRCh37 (hg19) VCF-style: chr4-5642274-T-C.
Other names: c.1197A>G, p.Glu399= (NM_001166136.2).
Identifiers: ClinVar variation 193763 (VCV000193763.22), dbSNP rs13131655, ClinGen allele CA200772.